The following is an entry in ClinVar:

NM_145261.4(DNAJC19):c.73G>A (p.Ala25Thr)

Gene: DNAJC19 (DnaJ heat shock protein family (Hsp40) member C19; minus strand). Cytogenetic location: 3q26.33.
Variant type: single nucleotide variant.
Coding change: c.73G>A on transcript NM_145261.4 (MANE Select); coding-DNA position 73, G replaced by A.
Protein change: p.Ala25Thr; replaces alanine 25 with threonine.
Molecular consequence: missense variant. On other transcripts: 5 prime UTR variant (1), non-coding transcript variant (3).
Genome position (GRCh38, 1-based): chr3:180,988,079, C>T on the plus strand (G>A on the coding strand, the complement: DNAJC19 is on the minus strand). VCF-style: chr3-180988079-C-T. GRCh37 (hg19) VCF-style: chr3-180705867-C-T.
Other names: c.-3G>A (NM_001190233.2); c.73G>A (NM_145261.3); short protein forms A25T.
Identifiers: ClinVar variation 1507838 (VCV001507838.7), dbSNP rs2108509645, ClinGen allele CA355472719.

ClinVar aggregate classification (germline): Uncertain significance. Review status: criteria provided, multiple submitters, no conflicts (2 of 4 stars). 2 submissions from 2 submitters: Uncertain significance (2). Last evaluated 2024-08-13.

Conditions:
Inborn genetic diseases. Identifiers: MedGen C0950123, MeSH D030342.
3-methylglutaconic aciduria type 5. Also called: CARDIOMYOPATHY, DILATED, WITH ATAXIA; MGA, TYPE V; 3 alpha methylglutaconic aciduria type V; MGA 5. Identifiers: Orphanet 66634, MedGen C1857776, MONDO:0012435, OMIM 610198.

Allele frequency attached by ClinVar (database versions not stated): gnomAD exomes below 0.00001.
gnomAD v4.1: 4 of 1,614,162 alleles (0.00025%); highest among the groups gnomAD compares: Non-Finnish European, 0.00034%; no homozygotes.

Submissions (2):

Labcorp Genetics (formerly Invitae), Labcorp
Classification: Uncertain significance for 3-methylglutaconic aciduria type 5. Last evaluated: 2024-08-13. Review status: criteria provided, single submitter. Criteria: Invitae Variant Classification Sherloc (09022015). Collection method: clinical testing. Allele origin: germline.
Comment: This sequence change replaces alanine, which is neutral and non-polar, with threonine, which is neutral and polar, at codon 25 of the DNAJC19 protein (p.Ala25Thr). This variant is not present in population databases (gnomAD no frequency). This variant has not been reported in the literature in individuals affected with DNAJC19-related conditions. ClinVar contains an entry for this variant (Variation ID: 1507838). An algorithm developed to predict the effect of missense changes on protein structure and function outputs the following: PolyPhen-2: "Benign". The threonine amino acid residue is found in multiple mammalian species, which suggests that this missense change does not adversely affect protein function. In summary, the available evidence is currently insufficient to determine the role of this variant in disease. Therefore, it has been classified as a Variant of Uncertain Significance.

Ambry Genetics
Classification: Uncertain significance for Inborn genetic diseases. Last evaluated: 2021-11-09. Review status: criteria provided, single submitter. Criteria: Ambry Variant Classification Scheme 2023. Collection method: clinical testing. Allele origin: germline.